The following is an entry in ClinVar:

NM_080732.4(EGLN2):c.563A>T (p.Tyr188Phe)

Genes: EGLN2 (egl-9 family hypoxia inducible factor 2; plus strand), RAB4B-EGLN2 (RAB4B-EGLN2 readthrough (NMD candidate); plus strand). Cytogenetic location: 19q13.2.
Variant type: single nucleotide variant.
Coding change: c.563A>T on transcript NM_080732.4 (MANE Select); coding-DNA position 563, A replaced by T.
Protein change: p.Tyr188Phe; replaces tyrosine 188 with phenylalanine.
Molecular consequence: missense variant. On other transcripts: non-coding transcript variant (1).
Genome position (GRCh38, 1-based): chr19:40,801,135, A>T. VCF-style: chr19-40801135-A-T. GRCh37 (hg19) VCF-style: chr19-41307040-A-T.
Other names: c.563A>T, p.Tyr188Phe (NM_053046.4); short protein forms Y188F.
Identifiers: ClinVar variation 1748788 (VCV001748788.2), dbSNP rs1247336395, ClinGen allele CA405955521.
Genomic context (GRCh38, chr19:40,801,135, plus strand): 5'-AGGCGCTGCCCTCTGCGCCCGAGCGCCTGGCCCTGGACTATATCGTGCCCTGCATGCGGT[A>T]CTACGGCATCTGCGTCAAGGACAGCTTCCTGGGGGCAGCACTGGGCGGTCGCGTGCTGGC-3'
Protein context (NP_542770.2, residues 178-198): ALDYIVPCMR[Tyr188Phe]YGICVKDSFL

ClinVar aggregate classification (germline): Uncertain significance (1 of 4 stars; one submission).

gnomAD v4.1: 1 of 1,612,938 alleles (0.000062%); highest among the groups gnomAD compares: Non-Finnish European, 0.000085%; no homozygotes.

Submission:

Ambry Genetics
Classification: Uncertain significance. Last evaluated: 2023-09-18. Review status: criteria provided, single submitter. Criteria: Ambry Variant Classification Scheme 2023. Collection method: clinical testing. Allele origin: germline.
Comment: The p.Y188F variant (also known as c.563A>T), located in coding exon 1 of the EGLN2 gene, results from an A to T substitution at nucleotide position 563. The tyrosine at codon 188 is replaced by phenylalanine, an amino acid with highly similar properties. This amino acid position is conserved. In addition, this alteration is predicted to be tolerated by in silico analysis. Since supporting evidence is limited at this time, the clinical significance of this alteration remains unclear.